The following is an entry in ClinVar:

ClinVar aggregate classification (germline): Uncertain significance (1 of 4 stars; one submission).

Conditions:
Autosomal recessive ataxia, Beauce type. Also called: SYNE1-Related Autosomal Recessive Cerebellar Ataxia; Spinocerebellar ataxia, autosomal recessive 8; ATAXIA, RECESSIVE, OF BEAUCE; SYNE1 Deficiency. Identifiers: Orphanet 88644, MedGen C1853116, MONDO:0012549, OMIM 610743.
Emery-Dreifuss muscular dystrophy 4, autosomal dominant (EDMD4). Also called: EMERY-DREIFUSS MUSCULAR DYSTROPHY 4 WITH VARIABLE FEATURES. Identifiers: Orphanet 261, MedGen C2751807, MONDO:0013071, OMIM 612998.

gnomAD v4.1: 1 of 1,614,062 alleles (0.000062%); highest among the groups gnomAD compares: Non-Finnish European, 0.000085%; no homozygotes.

Submission:

Labcorp Genetics (formerly Invitae), Labcorp
Classification: Uncertain significance for Emery-Dreifuss muscular dystrophy 4, autosomal dominant; Autosomal recessive ataxia, Beauce type. Last evaluated: 2020-11-17. Review status: criteria provided, single submitter. Criteria: Invitae Variant Classification Sherloc (09022015). Collection method: clinical testing. Allele origin: germline.
Comment: In summary, the available evidence is currently insufficient to determine the role of this variant in disease. Therefore, it has been classified as a Variant of Uncertain Significance. Algorithms developed to predict the effect of missense changes on protein structure and function (SIFT, PolyPhen-2, Align-GVGD) all suggest that this variant is likely to be disruptive, but these predictions have not been confirmed by published functional studies and their clinical significance is uncertain. This variant has not been reported in the literature in individuals with SYNE1-related conditions. This variant is not present in population databases (ExAC no frequency). This sequence change replaces alanine with serine at codon 7556 of the SYNE1 protein (p.Ala7556Ser). The alanine residue is highly conserved and there is a moderate physicochemical difference between alanine and serine.

NM_182961.4(SYNE1):c.22879G>T (p.Ala7627Ser)

Gene: SYNE1 (spectrin repeat containing nuclear envelope protein 1; minus strand). Cytogenetic location: 6q25.2.
Variant type: single nucleotide variant.
Coding change: c.22879G>T on transcript NM_182961.4 (MANE Select); coding-DNA position 22879, G replaced by T.
Protein change: p.Ala7627Ser; replaces alanine 7627 with serine.
Molecular consequence: missense variant.
Genome position (GRCh38, 1-based): chr6:152,206,308, C>A on the plus strand (G>T on the coding strand, the complement: SYNE1 is on the minus strand). VCF-style: chr6-152206308-C-A. GRCh37 (hg19) VCF-style: chr6-152527443-C-A.
Other names: c.22666G>T, p.Ala7556Ser (NM_033071.5); short protein forms A7556S, A7627S.
Identifiers: ClinVar variation 1501031 (VCV001501031.8), dbSNP rs2153398279, ClinGen allele CA366095128.